The following is an entry in ClinVar:

NM_172250.3(MMAA):c.*2866A>G

Gene: MMAA (metabolism of cobalamin associated A; plus strand). Cytogenetic location: 4q31.21.
Variant type: single nucleotide variant.
Coding change: c.*2866A>G on transcript NM_172250.3 (MANE Select); 2866 bases downstream of the stop codon, A replaced by G.
Molecular consequence: 3 prime UTR variant.
Genome position (GRCh38, 1-based): chr4:145,658,300, A>G. VCF-style: chr4-145658300-A-G. GRCh37 (hg19) VCF-style: chr4-146579452-A-G.
Identifiers: ClinVar variation 347655 (VCV000347655.6), dbSNP rs17020500, ClinGen allele CA10620190.

ClinVar aggregate classification (germline): Benign. Review status: criteria provided, multiple submitters, no conflicts (2 of 4 stars). 2 submissions from 2 submitters: Benign (2). Last evaluated 2018-01-13.

Conditions:
Methylmalonic aciduria, cblA type (MACA). Also called: Methylmalonic aciduria, vitamin b12-responsive, due to defect in synthesis of adenosylcobalamin, cbla complementation type; MMA cbl A type; Methylmalonic acidemia cblA type; Methylmalonic aciduria, vitamin B12-responsive; Vitamin B12-responsive methylmalonic acidemia type cblA. Identifiers: Orphanet 28, Orphanet 79310, MedGen C1855109, MONDO:0009613, OMIM 251100.

Allele frequency attached by ClinVar (database versions not stated): gnomAD 0.22820 and 0.23225; TOPMed 0.23712; 1000 Genomes Project 30x 0.27108; 1000 Genomes Project 0.27416.

Submissions (2):

Illumina Laboratory Services, Illumina
Classification: Benign for Methylmalonic aciduria, cblA type. Last evaluated: 2018-01-13. Review status: criteria provided, single submitter. Criteria: ICSL Variant Classification Criteria 13 December 2019. Collection method: clinical testing. Allele origin: germline.
Comment: This variant was observed in the ICSL laboratory as part of a predisposition screen in an ostensibly healthy population. It had not been previously curated by ICSL or reported in the Human Gene Mutation Database (HGMD: prior to June 1st, 2018), and was therefore a candidate for classification through an automated scoring system. Utilizing variant allele frequency, disease prevalence and penetrance estimates, and inheritance mode, an automated score was calculated to assess if this variant is too frequent to cause the disease. Based on the score and internal cut-off values, a variant classified as benign is not then subjected to further curation. The score for this variant resulted in a classification of benign for this disease.

Breakthrough Genomics
Classification: Benign. Review status: criteria provided, single submitter. Criteria: ACMG Guidelines, 2015. Collection method: not provided. Allele origin: germline. Inheritance: Autosomal recessive inheritance. Affected: yes.